The following is an entry in ClinVar:

NM_005751.5(AKAP9):c.835del (p.Glu279fs)

Gene: AKAP9 (A-kinase anchoring protein 9; plus strand). Cytogenetic location: 7q21.2.
Variant type: Deletion.
Coding change: c.835del on transcript NM_005751.5 (MANE Select); coding-DNA position 835, one base deleted (G; older notation c.835delG).
Protein change: p.Glu279fs; shifts the reading frame from glutamic acid 279.
Molecular consequence: frameshift variant.
Genome position (GRCh38, 1-based): chr7:91,995,705, G deleted. VCF-style (leftmost placement, unchanged base first): chr7-91995704-AG-A. GRCh37 (hg19) VCF-style: chr7-91625018-AG-A.
Other names: c.835del, p.Glu279fs (NM_147185.3); short protein forms E279fs.
Identifiers: ClinVar variation 1677756 (VCV001677756.3), dbSNP rs2130646435, ClinGen allele CA2573142393.
Genomic context (GRCh38, chr7:91,995,704, plus strand): 5'-CACAGCTGCAGACTTACTACAAGCCAAACAACAGATCCTCACTCATCAACAGCAGCTTGA[AG>A]AACAAGACCACTTATTAGAAGATTATCAGAAAAAGAAAGAAGACTTCACAATGCAAATTA-3'

ClinVar aggregate classification (germline): Uncertain significance. Review status: criteria provided, multiple submitters, no conflicts (2 of 4 stars). 2 submissions from 2 submitters: Uncertain significance (2). Last evaluated 2021-12-31.

Conditions:
Cardiovascular phenotype. Identifiers: MedGen CN230736.

Submissions (2):

AiLife Diagnostics
Classification: Uncertain significance. Last evaluated: 2021-12-31. Review status: criteria provided, single submitter. Criteria: ACMG Guidelines, 2015. Collection method: clinical testing. Allele origin: germline. Affected: yes. Observed: 1 variant allele.

Ambry Genetics
Classification: Uncertain significance for Cardiovascular phenotype. Last evaluated: 2018-06-15. Review status: criteria provided, single submitter. Criteria: Ambry Variant Classification Scheme 2023. Collection method: clinical testing. Allele origin: germline.
Comment: The c.835delG variant, located in coding exon 7 of the AKAP9 gene, results from a deletion of one nucleotide at nucleotide position 835, causing a translational frameshift with a predicted alternate stop codon (p.E279Nfs*6). This alteration is expected to result in loss of function by premature protein truncation or nonsense-mediated mRNA decay. However, loss of function of AKAP9 has not been clearly established as a mechanism of disease. Since supporting evidence is limited at this time, the clinical significance of this alteration remains unclear.